The following is an entry in ClinVar:

ClinVar aggregate classification (germline): Benign. Review status: criteria provided, multiple submitters, no conflicts (2 of 4 stars). 4 submissions from 4 submitters: Benign (4). Last evaluated 2026-09-21.

Allele frequency attached by ClinVar (database versions not stated): 1000 Genomes Project 30x 0.32620; ESP Exome Variant Server 0.38631; gnomAD 0.39117 and 0.39165; ExAC 0.44671; gnomAD exomes 0.46026 and 0.45317; 1000 Genomes Project 0.33746; TOPMed 0.39465.
gnomAD v4.1: 627,453 of 1,388,112 alleles (45%); highest among the groups gnomAD compares: Admixed American, 57%; 157,584 homozygotes.

Submissions (4):

Molecular Diagnostic Laboratory for Inherited Cardiovascular Disease, Montreal Heart Institute
Classification: Benign. Last evaluated: 2026-09-21. Review status: criteria provided, single submitter. Criteria: ACMG Guidelines, 2015. Collection method: clinical testing. Allele origin: germline. Affected: no.

GeneDx
Classification: Benign. Last evaluated: 2018-06-15. Review status: criteria provided, single submitter. Criteria: GeneDx Variant Classification (06012015). Collection method: clinical testing. Allele origin: germline. Affected: yes.
Comment: This variant is considered likely benign or benign based on one or more of the following criteria: it is a conservative change, it occurs at a poorly conserved position in the protein, it is predicted to be benign by multiple in silico algorithms, and/or has population frequency not consistent with disease.

Breakthrough Genomics
Classification: Benign. Review status: criteria provided, single submitter. Criteria: ACMG Guidelines, 2015. Collection method: not provided. Allele origin: germline. Inheritance: Autosomal dominant inheritance. Affected: yes.

PreventionGenetics, part of Exact Sciences
Classification: Benign. Review status: criteria provided, single submitter. Criteria: ACMG Guidelines, 2015. Collection method: clinical testing. Allele origin: germline.

NM_001035.3(RYR2):c.4160+48A>G

Genes: RYR2 (ryanodine receptor 2; plus strand), LOC126806067 (BRD4-independent group 4 enhancer GRCh37_chr1:237753258-237754457; plus strand). Cytogenetic location: 1q43.
Variant type: single nucleotide variant.
Coding change: c.4160+48A>G on transcript NM_001035.3 (MANE Select); 48 bases into the intron after coding-DNA position 4160, A replaced by G.
Molecular consequence: intron variant.
Genome position (GRCh38, 1-based): chr1:237,591,040, A>G. VCF-style: chr1-237591040-A-G. GRCh37 (hg19) VCF-style: chr1-237754340-A-G.
Other names: c.4160+48A>G (LRG_402t1).
Identifiers: ClinVar variation 257210 (VCV000257210.4), dbSNP rs1332777, ClinGen allele CA086546.
Genomic context (GRCh38, chr1:237,591,040, plus strand): 5'-GTCTGAAACAAAGGTTACTAATTTATACGCTGTGATTTTAAATTTGTAGTTATGTGAGGA[A>G]GGTTACAGTCCAGAGTAAAGGGTCTCCTAGTGTAAATTTTTTCCTCCTTCTCCTCCTCCT-3'